The following is an entry in ClinVar:

NM_006035.4(CDC42BPB):c.139C>T (p.Arg47Cys)

Gene: CDC42BPB (CDC42 binding protein kinase beta; minus strand). Cytogenetic location: 14q32.32.
Variant type: single nucleotide variant.
Coding change: c.139C>T on transcript NM_006035.4 (MANE Select); coding-DNA position 139, C replaced by T.
Protein change: p.Arg47Cys; replaces arginine 47 with cysteine.
Molecular consequence: missense variant.
Genome position (GRCh38, 1-based): chr14:103,057,035, G>A on the plus strand (C>T on the coding strand, the complement: CDC42BPB is on the minus strand). VCF-style: chr14-103057035-G-A. GRCh37 (hg19) VCF-style: chr14-103523372-G-A.
Other names: c.139C>T, p.Arg47Cys (NM_001411054.1); short protein forms R47C.
Identifiers: ClinVar variation 2662563 (VCV002662563.1), dbSNP rs1248462707, ClinGen allele CA391086764.

ClinVar aggregate classification (germline): Uncertain significance (1 of 4 stars; one submission).

Allele frequency attached by ClinVar (database versions not stated): gnomAD exomes 0.00001.

Submission:

GeneDx
Classification: Uncertain significance. Last evaluated: 2023-04-13. Review status: criteria provided, single submitter. Criteria: GeneDx Variant Classification Process June 2021. Collection method: clinical testing. Allele origin: germline. Affected: yes.
Comment: In silico analysis supports that this missense variant has a deleterious effect on protein structure/function; Has not been previously published as pathogenic or benign to our knowledge